The following is an entry in ClinVar:

ClinVar aggregate classification (germline): Uncertain significance (1 of 4 stars; one submission).

Conditions:
Developmental and epileptic encephalopathy, 31A. Also called: Developmental and epileptic encephalopathy, 31; Epileptic encephalopathy, early infantile, 31. Identifiers: Orphanet 2382, MedGen C4225357, MONDO:0014598, OMIM 616346.

Submission:

Labcorp Genetics (formerly Invitae), Labcorp
Classification: Uncertain significance for Developmental and epileptic encephalopathy, 31A. Last evaluated: 2022-07-12. Review status: criteria provided, single submitter. Criteria: Invitae Variant Classification Sherloc (09022015). Collection method: clinical testing. Allele origin: germline.
Comment: In summary, the available evidence is currently insufficient to determine the role of this variant in disease. Therefore, it has been classified as a Variant of Uncertain Significance. Advanced modeling of protein sequence and biophysical properties (such as structural, functional, and spatial information, amino acid conservation, physicochemical variation, residue mobility, and thermodynamic stability) performed at Invitae indicates that this missense variant is not expected to disrupt DNM1 protein function. ClinVar contains an entry for this variant (Variation ID: 1041271). This variant has not been reported in the literature in individuals affected with DNM1-related conditions. This variant is not present in population databases (gnomAD no frequency). This sequence change replaces serine, which is neutral and polar, with leucine, which is neutral and non-polar, at codon 512 of the DNM1 protein (p.Ser512Leu).

NM_004408.4(DNM1):c.1535C>T (p.Ser512Leu)

Gene: DNM1 (dynamin 1; plus strand). Cytogenetic location: 9q34.11.
Variant type: single nucleotide variant.
Coding change: c.1535C>T on transcript NM_004408.4 (MANE Select); coding-DNA position 1535, C replaced by T.
Protein change: p.Ser512Leu; replaces serine 512 with leucine.
Molecular consequence: missense variant.
Genome position (GRCh38, 1-based): chr9:128,239,769, C>T. VCF-style: chr9-128239769-C-T. GRCh37 (hg19) VCF-style: chr9-131002048-C-T.
Other names: c.1535C>T, p.Ser512Leu (NM_001005336.3, NM_001288737.2, NM_001288738.2 and 2 more transcripts); short protein forms S512L.
Identifiers: ClinVar variation 1041271 (VCV001041271.9), dbSNP rs867314420, ClinGen allele CA375025100.
Genomic context (GRCh38, chr9:128,239,769, plus strand): 5'-CTCCCCTCCCTCCCATTAGTGCTCAGCAGAGGAGCAACCAGATGAACAAGAAGAAGACTT[C>T]AGGGAACCAGGTGAGTGGGGCCCAGCACCCCAGCCCGAGGGATGGAGGGTGCCGGACGGA-3'
Protein context (NP_004399.2, residues 502-522): RSNQMNKKKT[Ser512Leu]GNQDEILVIR